The following is an entry in ClinVar:

NM_178857.6(RP1L1):c.4865G>A (p.Arg1622Gln)

Gene: RP1L1 (RP1 like 1). Cytogenetic location: 8p23.1.
Variant type: single nucleotide variant.
Coding change: c.4865G>A on transcript NM_178857.6 (MANE Select); coding-DNA position 4865, G replaced by A.
Protein change: p.Arg1622Gln; replaces arginine 1622 with glutamine.
Molecular consequence: missense variant.
Genome position (GRCh38, 1-based): chr8:10,609,233, C>T on the plus strand (G>A on the coding strand, the complement: RP1L1 is on the minus strand). VCF-style: chr8-10609233-C-T. GRCh37 (hg19) VCF-style: chr8-10466743-C-T.
Other names: NC_000008.10:g.10466743C>T; short protein forms R1622Q.
Identifiers: ClinVar variation 361262 (VCV000361262.50), dbSNP rs151260617, ClinGen allele CA4623855.

ClinVar aggregate classification (germline): Benign/Likely benign. Review status: criteria provided, multiple submitters, no conflicts (2 of 4 stars). 5 submissions from 5 submitters: Benign (1); Likely benign (2). 2 of the submissions do not count toward it. Last evaluated 2024-11-21.

Conditions:
Occult macular dystrophy (OCMD). Also called: OMD; OCCULT MACULAR DYSTROPHY, SUSCEPTIBILITY TO. Identifiers: Orphanet 247834, MedGen C3150833, MONDO:0013316, OMIM 613587, HP:0030636.

Allele frequency attached by ClinVar (database versions not stated): ExAC 0.00362; gnomAD exomes 0.00382; 1000 Genomes Project 0.00399; 1000 Genomes Project 30x 0.00422; TOPMed 0.00600; gnomAD 0.00607 and 0.00629; ESP Exome Variant Server 0.00729.
gnomAD v4.1: 10,333 of 1,609,396 alleles (0.64%); highest among the groups gnomAD compares: African/African-American, 0.77%; 44 homozygotes.

Submissions (12):

Blueprint Genetics
Classification: Likely benign. Last evaluated: 2024-11-21. Review status: criteria provided, single submitter. Criteria: ACMG Guidelines, 2015. Collection method: clinical testing. Allele origin: germline.

CeGaT Center for Human Genetics Tuebingen
Classification: Likely benign. Last evaluated: 2023-12-01. Review status: criteria provided, single submitter. Criteria: CeGaT Center For Human Genetics Tuebingen Variant Classification Criteria Version 2. Collection method: clinical testing. Allele origin: germline. Affected: yes. Observed: 7 variant alleles.
Comment: RP1L1: BP4, BS2

Illumina Laboratory Services, Illumina
Classification: Benign for Occult macular dystrophy. Last evaluated: 2018-01-13. Review status: criteria provided, single submitter. Criteria: ICSL Variant Classification Criteria 13 December 2019. Collection method: clinical testing. Allele origin: germline.
Comment: This variant was observed in the ICSL laboratory as part of a predisposition screen in an ostensibly healthy population. It had not been previously curated by ICSL or reported in the Human Gene Mutation Database (HGMD: prior to June 1st, 2018), and was therefore a candidate for classification through an automated scoring system. Utilizing variant allele frequency, disease prevalence and penetrance estimates, and inheritance mode, an automated score was calculated to assess if this variant is too frequent to cause the disease. Based on the score and internal cut-off values, a variant classified as benign is not then subjected to further curation. The score for this variant resulted in a classification of benign for this disease.

Clinical Genetics DNA and cytogenetics Diagnostics Lab, Erasmus MC, Erasmus Medical Center
Classification: Likely benign. Review status: no assertion criteria provided. Collection method: clinical testing. Allele origin: germline. Affected: yes. Study: VKGL Data-share Consensus. Not counted in ClinVar's aggregate classification.

Clinical Genetics, Academic Medical Center
Classification: Benign. Review status: no assertion criteria provided. Collection method: clinical testing. Allele origin: germline. Affected: yes. Study: VKGL Data-share Consensus. Not counted in ClinVar's aggregate classification.

Dr. Peter K. Rogan Lab, Western University
No classification provided (evidence only). Condition: Malignant tumor of urinary bladder. Review status: no classification provided. Collection method: in vitro. Allele origin: not applicable. Functional consequence: retained intron. Not counted in ClinVar's aggregate classification.

Dr. Peter K. Rogan Lab, Western University
No classification provided (evidence only). Condition: Melanoma. Review status: no classification provided. Collection method: in vitro. Allele origin: not applicable. Functional consequence: retained intron. Not counted in ClinVar's aggregate classification.

Dr. Peter K. Rogan Lab, Western University
No classification provided (evidence only). Condition: Colon adenocarcinoma. Review status: no classification provided. Collection method: in vitro. Allele origin: not applicable. Functional consequence: retained intron. Not counted in ClinVar's aggregate classification.

Dr. Peter K. Rogan Lab, Western University
No classification provided (evidence only). Condition: Malignant lymphoma, large B-cell, diffuse. Review status: no classification provided. Collection method: in vitro. Allele origin: not applicable. Functional consequence: retained intron. Not counted in ClinVar's aggregate classification.

Dr. Peter K. Rogan Lab, Western University
No classification provided (evidence only). Condition: Ovarian serous cystadenocarcinoma. Review status: no classification provided. Collection method: in vitro. Allele origin: not applicable. Functional consequence: retained intron. Not counted in ClinVar's aggregate classification.

Dr. Peter K. Rogan Lab, Western University
No classification provided (evidence only). Condition: Gastric cancer. Review status: no classification provided. Collection method: in vitro. Allele origin: not applicable. Functional consequence: retained intron. Not counted in ClinVar's aggregate classification.

Dr. Peter K. Rogan Lab, Western University
No classification provided (evidence only). Condition: Malignant tumor of esophagus. Review status: no classification provided. Collection method: in vitro. Allele origin: not applicable. Functional consequence: retained intron. Not counted in ClinVar's aggregate classification.